The following is an entry in ClinVar:

NM_001793.6(CDH3):c.2304C>A (p.Asp768Glu)

Gene: CDH3 (cadherin 3; plus strand). Cytogenetic location: 16q22.1.
Variant type: single nucleotide variant.
Coding change: c.2304C>A on transcript NM_001793.6 (MANE Select); coding-DNA position 2304, C replaced by A.
Protein change: p.Asp768Glu; replaces aspartic acid 768 with glutamic acid.
Molecular consequence: missense variant. On other transcripts: 3 prime UTR variant (1).
Genome position (GRCh38, 1-based): chr16:68,698,214, C>A. VCF-style: chr16-68698214-C-A. GRCh37 (hg19) VCF-style: chr16-68732117-C-A.
Other names: c.*47C>A (NM_001317195.3); c.2139C>A, p.Asp713Glu (NM_001317196.2); short protein forms D713E, D768E.
Identifiers: ClinVar variation 1938152 (VCV001938152.4), dbSNP rs769376121, ClinGen allele CA8129695.
Genomic context (GRCh38, chr16:68,698,214, plus strand): 5'-CCCGCCGCTCCTAACTACCTGTTCTCTGTTGCCGCAGAACCTGAAGGCGGCTAACACAGA[C>A]CCCACAGCCCCGCCCTACGACACCCTCTTGGTGTTCGACTATGAGGGCAGCGGCTCCGAC-3'
Protein context (NP_001784.2, residues 758-778): IIENLKAANT[Asp768Glu]PTAPPYDTLL

ClinVar aggregate classification (germline): Uncertain significance (1 of 4 stars; one submission).

Allele frequency attached by ClinVar (database versions not stated): gnomAD exomes below 0.00001; ExAC 0.00002.
gnomAD v4.1: 7 of 1,614,212 alleles (0.00043%); highest among the groups gnomAD compares: Non-Finnish European, 0.00059%; no homozygotes.

Submission:

Labcorp Genetics (formerly Invitae), Labcorp
Classification: Uncertain significance. Last evaluated: 2025-12-01. Review status: criteria provided, single submitter. Criteria: Invitae Variant Classification Sherloc (09022015). Collection method: clinical testing. Allele origin: germline.
Comment: This sequence change replaces aspartic acid, which is acidic and polar, with glutamic acid, which is acidic and polar, at codon 768 of the CDH3 protein (p.Asp768Glu). This variant is present in population databases (rs769376121, gnomAD 0.002%). This variant has not been reported in the literature in individuals affected with CDH3-related conditions. ClinVar contains an entry for this variant (Variation ID: 1938152). Invitae Evidence Modeling of protein sequence and biophysical properties (such as structural, functional, and spatial information, amino acid conservation, physicochemical variation, residue mobility, and thermodynamic stability) indicates that this missense variant is not expected to disrupt CDH3 protein function with a negative predictive value of 80%. In summary, the available evidence is currently insufficient to determine the role of this variant in disease. Therefore, it has been classified as a Variant of Uncertain Significance.